The following is an entry in ClinVar:

ClinVar aggregate classification (germline): Uncertain significance (1 of 4 stars; one submission).

Conditions:
Ullrich congenital muscular dystrophy 2 (UCMD2). Identifiers: Orphanet 75840, MedGen C4225314, MONDO:0014654, OMIM 616470.
Bethlem myopathy 2 (BTHLM2). Identifiers: Orphanet 536516, Orphanet 610, MedGen C4225313, MONDO:0034022, OMIM 616471.

Submission:

Labcorp Genetics (formerly Invitae), Labcorp
Classification: Uncertain significance for Bethlem myopathy 2; Ullrich congenital muscular dystrophy 2. Last evaluated: 2025-04-10. Review status: criteria provided, single submitter. Criteria: Invitae Variant Classification Sherloc (09022015). Collection method: clinical testing. Allele origin: germline.
Comment: This sequence change replaces valine, which is neutral and non-polar, with leucine, which is neutral and non-polar, at codon 1201 of the COL12A1 protein (p.Val1201Leu). This variant is not present in population databases (gnomAD no frequency). This variant has not been reported in the literature in individuals affected with COL12A1-related conditions. Invitae Evidence Modeling of protein sequence and biophysical properties (such as structural, functional, and spatial information, amino acid conservation, physicochemical variation, residue mobility, and thermodynamic stability) indicates that this missense variant is not expected to disrupt COL12A1 protein function with a negative predictive value of 80%. In summary, the available evidence is currently insufficient to determine the role of this variant in disease. Therefore, it has been classified as a Variant of Uncertain Significance.

NM_004370.6(COL12A1):c.3601G>T (p.Val1201Leu)

Gene: COL12A1 (collagen type XII alpha 1 chain; minus strand). Cytogenetic location: 6q13.
Variant type: single nucleotide variant.
Coding change: c.3601G>T on transcript NM_004370.6 (MANE Select); coding-DNA position 3601, G replaced by T.
Protein change: p.Val1201Leu; replaces valine 1201 with leucine.
Molecular consequence: missense variant.
Genome position (GRCh38, 1-based): chr6:75,152,447, C>A on the plus strand (G>T on the coding strand, the complement: COL12A1 is on the minus strand). VCF-style: chr6-75152447-C-A. GRCh37 (hg19) VCF-style: chr6-75862163-C-A.
Other names: c.3601G>T, p.Val1201Leu (NM_001424113.1, NM_001424114.1); c.3328G>T, p.Val1110Leu (NM_001424115.1); c.109G>T, p.Val37Leu (NM_001424116.1, NM_080645.3); short protein forms V1201L, V37L, V1110L.
Identifiers: ClinVar variation 4783026 (VCV004783026.1).